The following is an entry in ClinVar:

ClinVar aggregate classification (germline): Uncertain significance (1 of 4 stars; one submission).

gnomAD v4.1: 10 of 1,589,442 alleles (0.00063%); highest among the groups gnomAD compares: East Asian, 0.022%; no homozygotes.

Submission:

Women's Health and Genetics/Laboratory Corporation of America, LabCorp
Classification: Uncertain significance. Last evaluated: 2025-05-12. Review status: criteria provided, single submitter. Criteria: LabCorp Variant Classification Summary - May 2015. Collection method: clinical testing. Allele origin: germline.
Comment: Variant summary: PIGW c.1511G>A (p.Trp504X) results in a premature termination codon, predicted to cause a truncation of the encoded protein or absence of the protein due to nonsense mediated decay, however current evidence is not sufficient to establish loss of function as a mechanism for disease. The variant allele was found at a frequency of 1.7e-05 in 237548 control chromosomes. The available data on variant occurrences in the general population are insufficient to allow any conclusion about variant significance. To our knowledge, no occurrence of c.1511G>A in individuals affected with Hyperphosphatasia With Mental Retardation Syndrome 5 and no experimental evidence demonstrating its impact on protein function have been reported. No submitters have cited clinical-significance assessments for this variant to ClinVar. Based on the evidence outlined above, the variant was classified as uncertain significance.

NM_001346754.2(PIGW):c.1511G>A (p.Trp504Ter)

Genes: MYO19 (myosin XIX; minus strand), PIGW (phosphatidylinositol glycan anchor biosynthesis class W; plus strand). Cytogenetic location: 17q12.
Variant type: single nucleotide variant.
Coding change: c.1511G>A on transcript NM_001346754.2 (MANE Select); coding-DNA position 1511, G replaced by A.
Protein change: p.Trp504Ter; replaces tryptophan 504 with a stop codon.
Molecular consequence: nonsense.
Genome position (GRCh38, 1-based): chr17:36,538,612, G>A. VCF-style: chr17-36538612-G-A. GRCh37 (hg19) VCF-style: chr17-34894461-G-A.
Other names: c.1511G>A, p.Trp504Ter (NM_001346755.2, NM_178517.5); short protein forms W504*.
Identifiers: ClinVar variation 3902285 (VCV003902285.1).